The following is an entry in ClinVar:

NM_005097.4(LGI1):c.1240A>G (p.Asn414Asp)

Gene: LGI1 (leucine rich glioma inactivated 1; plus strand). Cytogenetic location: 10q23.33.
Variant type: single nucleotide variant.
Coding change: c.1240A>G on transcript NM_005097.4 (MANE Select); coding-DNA position 1240, A replaced by G.
Protein change: p.Asn414Asp; replaces asparagine 414 with aspartic acid.
Molecular consequence: missense variant. On other transcripts: non-coding transcript variant (1), intron variant (1).
Genome position (GRCh38, 1-based): chr10:93,797,369, A>G. VCF-style: chr10-93797369-A-G. GRCh37 (hg19) VCF-style: chr10-95557126-A-G.
Other names: c.1096A>G, p.Asn366Asp (NM_001308276.2); c.839-380A>G (NM_001308275.2); short protein forms N366D, N414D.
Identifiers: ClinVar variation 1398585 (VCV001398585.8), dbSNP rs775893967, ClinGen allele CA5611240.

ClinVar aggregate classification (germline): Uncertain significance (1 of 4 stars; one submission).

Conditions:
Autosomal dominant epilepsy with auditory features. Identifiers: Orphanet 101046, MedGen C1838062, MONDO:0010898.

Allele frequency attached by ClinVar (database versions not stated): gnomAD exomes below 0.00001 and 0.00001; ExAC 0.00001.
gnomAD v4.1: 3 of 1,614,212 alleles (0.00019%); highest among the groups gnomAD compares: Admixed American, 0.0033%; no homozygotes.

Submission:

Labcorp Genetics (formerly Invitae), Labcorp
Classification: Uncertain significance for Autosomal dominant epilepsy with auditory features. Last evaluated: 2021-03-03. Review status: criteria provided, single submitter. Criteria: Invitae Variant Classification Sherloc (09022015). Collection method: clinical testing. Allele origin: germline.
Comment: In summary, the available evidence is currently insufficient to determine the role of this variant in disease. Therefore, it has been classified as a Variant of Uncertain Significance. Algorithms developed to predict the effect of missense changes on protein structure and function (SIFT, PolyPhen-2, Align-GVGD) all suggest that this variant is likely to be tolerated, but these predictions have not been confirmed by published functional studies and their clinical significance is uncertain. This variant has not been reported in the literature in individuals with LGI1-related conditions. This variant is present in population databases (rs775893967, ExAC 0.009%). This sequence change replaces asparagine with aspartic acid at codon 414 of the LGI1 protein (p.Asn414Asp). The asparagine residue is moderately conserved and there is a small physicochemical difference between asparagine and aspartic acid.